The following is an entry in ClinVar:

ClinVar aggregate classification (germline): Pathogenic. Review status: criteria provided, multiple submitters, no conflicts (2 of 4 stars). 7 submissions from 7 submitters: Pathogenic (5). 2 of the submissions do not count toward it. Last evaluated 2025-10-06.

Conditions:
Colonic neoplasm. Also called: Colonic Neoplasms; Neoplasm of the colon. Identifiers: MedGen C0009375, MeSH D003110, MONDO:0005401, HP:0100273.
Hereditary cancer-predisposing syndrome. Also called: Hereditary Cancer Syndrome; Tumor predisposition; Hereditary neoplastic syndrome; Neoplastic Syndromes, Hereditary. Identifiers: Orphanet 140162, MedGen C0027672, MeSH D009386, MONDO:0015356.
Familial adenomatous polyposis 1 (FAP1). Also called: POLYPOSIS, ADENOMATOUS INTESTINAL; FAMILIAL ADENOMATOUS POLYPOSIS 1, ATTENUATED. Identifiers: MedGen C2713442, MONDO:0021056, OMIM 175100. Disease mechanism: loss of function.
Carcinoma of colon (CRC). Also called: Colon carcinoma; Colonic carcinoma. Identifiers: MedGen C0699790, MONDO:0002032.

Submissions (7):

Labcorp Genetics (formerly Invitae), Labcorp
Classification: Pathogenic for Familial adenomatous polyposis 1. Last evaluated: 2025-10-06. Review status: criteria provided, single submitter. Criteria: Invitae Variant Classification Sherloc (09022015). Collection method: clinical testing. Allele origin: germline.
Comment: This sequence change creates a premature translational stop signal (p.Ser457*) in the APC gene. It is expected to result in an absent or disrupted protein product. Loss-of-function variants in APC are known to be pathogenic (PMID: 17963004, 20685668). This variant is not present in population databases (gnomAD no frequency). This premature translational stop signal has been observed in individual(s) with familial adenomatous polyposis (FAP) and an individual with concomitant congenital hypertrophy of the retinal pigment epithelium (CHRPE) (PMID: 7959691, 20223039, 20685668). ClinVar contains an entry for this variant (Variation ID: 433620). For these reasons, this variant has been classified as Pathogenic.

GeneDx
Classification: Pathogenic. Last evaluated: 2024-01-03. Review status: criteria provided, single submitter. Criteria: GeneDx Variant Classification Process June 2021. Collection method: clinical testing. Allele origin: germline.
Comment: Nonsense variant predicted to result in protein truncation or nonsense mediated decay in a gene for which loss of function is a known mechanism of disease; Not observed at significant frequency in large population cohorts (gnomAD); This variant is associated with the following publications: (PMID: 25525159, 7959691, 34224960, 17411426, 27777639, 36225625, 20223039, 20685668)

Ambry Genetics
Classification: Pathogenic for Hereditary cancer-predisposing syndrome. Last evaluated: 2023-09-14. Review status: criteria provided, single submitter. Criteria: Ambry Variant Classification Scheme 2023. Collection method: clinical testing. Allele origin: germline.
Comment: The p.S457* pathogenic mutation (also known as c.1370C>A), located in coding exon 10 of the APC gene, results from a C to A substitution at nucleotide position 1370. This changes the amino acid from a serine to a stop codon within coding exon 10. This alteration has been reported in multiple patients with a clinical diagnosis of FAP or AFAP (Wallis YL et al. Hum. Genet., 1994 Nov;94:543-8; Friedl W et al. Hered Cancer Clin Pract, 2005 Sep;3:95-114; Lagarde A et al. J. Med. Genet., 2010 Oct;47:721-2). In addition to the clinical data presented in the literature, this alteration is expected to result in loss of function by premature protein truncation or nonsense-mediated mRNA decay. As such, this alteration is interpreted as a disease-causing mutation.

Myriad Genetics, Inc.
Classification: Pathogenic for Familial adenomatous polyposis 1. Last evaluated: 2023-05-01. Review status: criteria provided, single submitter. Criteria: Myriad Autosomal Dominant, Autosomal Recessive and X-Linked Classification Criteria (2023). Collection method: clinical testing. Allele origin: unknown.
Comment: This variant is considered pathogenic. This variant creates a termination codon and is predicted to result in premature protein truncation.

Color Diagnostics, LLC DBA Color Health
Classification: Pathogenic for Hereditary cancer-predisposing syndrome. Last evaluated: 2020-02-11. Review status: criteria provided, single submitter. Criteria: ACMG Guidelines, 2015. Collection method: clinical testing. Allele origin: germline.
Comment: This variant changes 1 nucleotide in exon 11 of the APC gene, creating a premature translation stop signal. This variant is expected to result in an absent or non-functional protein product. This variant has been reported in individuals affected with or suspected of having familial adenomatous polyposis (PMID: 20223039, 20685668). This variant has not been identified in the general population by the Genome Aggregation Database (gnomAD). Loss of APC function is a known mechanism of disease. Based on the available evidence, this variant is classified as Pathogenic.

Medical Genetics Laboratory, Umraniye Training and Research Hospital, University of Health Sciences
Classification: Pathogenic for Colonic neoplasm. Last evaluated: 2021-09-12. Review status: no assertion criteria provided. Collection method: clinical testing. Allele origin: germline. Inheritance: Autosomal dominant inheritance. Affected: yes. Observed: 1 heterozygote. Not counted in ClinVar's aggregate classification.

Department of Pathology and Laboratory Medicine, Sinai Health System
Classification: Pathogenic for Carcinoma of colon. Review status: no assertion criteria provided. Collection method: clinical testing. Allele origin: unknown. Affected: yes. Study: The Canadian Open Genetics Repository (COGR). Not counted in ClinVar's aggregate classification.
Comment: The p.Ser457X variant results in a stop codon at postion Ser457 which is predicted to cause premature truncation of the protein product. This is a loss of function DNA variant and loss of function is an established disease mechanism for the APC gene. In addition, this variant has been previously reported in individuals with familial adenomatous polyposis (FAP) (Wallis_1994_7959691, Friedl_2005_20223039, Stekrova_2007_17411426). In summary, based on the above information this variant meets our criteria for being Pathogenic.

Literature cited by the submitters: PubMed 17963004 (cited by Labcorp Genetics (formerly Invitae), Labcorp); PubMed 20685668 (cited by Labcorp Genetics (formerly Invitae), Labcorp and Ambry Genetics); PubMed 7959691 (cited by Labcorp Genetics (formerly Invitae), Labcorp and Ambry Genetics); PubMed 20223039 (cited by Labcorp Genetics (formerly Invitae), Labcorp and Ambry Genetics); PubMed 25525159 (cited by Ambry Genetics).

NM_000038.6(APC):c.1370C>A (p.Ser457Ter)

Gene: APC (APC regulator of Wnt signaling pathway; plus strand). Cytogenetic location: 5q22.2.
Variant type: single nucleotide variant.
Coding change: c.1370C>A on transcript NM_000038.6 (MANE Select); coding-DNA position 1370, C replaced by A.
Protein change: p.Ser457Ter; replaces serine 457 with a stop codon.
Molecular consequence: nonsense.
Genome position (GRCh38, 1-based): chr5:112,821,953, C>A. VCF-style: chr5-112821953-C-A. GRCh37 (hg19) VCF-style: chr5-112157650-C-A.
Other names: c.1370C>A, p.Ser457Ter (NM_001127510.3, NM_001354895.2, NM_001354896.2); c.1316C>A, p.Ser439Ter (NM_001127511.3); c.1400C>A, p.Ser467Ter (NM_001354897.2); c.1295C>A, p.Ser432Ter (NM_001354898.2); c.1286C>A, p.Ser429Ter (NM_001354899.2); c.1193C>A, p.Ser398Ter (NM_001354900.2, NM_001354901.2); c.1097C>A, p.Ser366Ter (NM_001354902.2); c.1067C>A, p.Ser356Ter (NM_001354903.2); and 3 more; short protein forms S439*, S457*, S297*, S366*, S432*, S356*, S398*, S429*.
Identifiers: ClinVar variation 433620 (VCV000433620.21), dbSNP rs1060503333, ClinGen allele CA16024303.